The following is an entry in ClinVar:

NM_182931.3(KMT2E):c.4375C>T (p.Pro1459Ser)

Gene: KMT2E (lysine methyltransferase 2E (inactive); plus strand). Cytogenetic location: 7q22.3.
Variant type: single nucleotide variant.
Coding change: c.4375C>T on transcript NM_182931.3 (MANE Select); coding-DNA position 4375, C replaced by T.
Protein change: p.Pro1459Ser; replaces proline 1459 with serine.
Molecular consequence: missense variant.
Genome position (GRCh38, 1-based): chr7:105,112,131, C>T. VCF-style: chr7-105112131-C-T. GRCh37 (hg19) VCF-style: chr7-104752578-C-T.
Other names: c.4249C>T, p.Pro1417Ser (NM_001410908.1); c.4375C>T, p.Pro1459Ser (NM_018682.4); short protein forms P1417S, P1459S.
Identifiers: ClinVar variation 2871185 (VCV002871185.3), dbSNP rs1336173119, ClinGen allele CA368792533.

ClinVar aggregate classification (germline): Uncertain significance (1 of 4 stars; one submission).

Allele frequency attached by ClinVar (database versions not stated): gnomAD exomes below 0.00001.
gnomAD v4.1: 7 of 1,614,206 alleles (0.00043%); highest among the groups gnomAD compares: East Asian, 0.0089%; no homozygotes.

Submission:

Labcorp Genetics (formerly Invitae), Labcorp
Classification: Uncertain significance. Last evaluated: 2023-11-27. Review status: criteria provided, single submitter. Criteria: Invitae Variant Classification Sherloc (09022015). Collection method: clinical testing. Allele origin: germline.
Comment: This sequence change replaces proline, which is neutral and non-polar, with serine, which is neutral and polar, at codon 1459 of the KMT2E protein (p.Pro1459Ser). This variant is present in population databases (no rsID available, gnomAD 0.01%). This variant has not been reported in the literature in individuals affected with KMT2E-related conditions. An algorithm developed to predict the effect of missense changes on protein structure and function (PolyPhen-2) suggests that this variant is likely to be disruptive. In summary, the available evidence is currently insufficient to determine the role of this variant in disease. Therefore, it has been classified as a Variant of Uncertain Significance.